The following is an entry in ClinVar:

NM_000548.5(TSC2):c.649-1G>A

Gene: TSC2 (TSC complex subunit 2; plus strand). Cytogenetic location: 16p13.3.
Variant type: single nucleotide variant.
Coding change: c.649-1G>A on transcript NM_000548.5 (MANE Select); the canonical splice acceptor site of the intron before coding-DNA position 649, G replaced by A.
Molecular consequence: splice acceptor variant. On other transcripts: intron variant (3).
Genome position (GRCh38, 1-based): chr16:2,056,643, G>A. VCF-style: chr16-2056643-G-A. GRCh37 (hg19) VCF-style: chr16-2106644-G-A.
Other names: c.-783-1G>A (NM_001406693.1, NM_001406689.1, NM_001406690.1 and 3 more transcripts); c.739-1G>A (NM_001406667.1, NM_001406668.1); c.49-1G>A (NM_001406680.1, NM_001406683.1, NM_001406687.1 and 6 more transcripts); c.-959-1G>A (NM_001406698.1); c.649-1G>A (NM_001114382.3, NM_001406663.1, NM_001406664.1 and 6 more transcripts); c.-664-1G>A (NM_001406694.1, NM_001406695.1); c.-771-13G>A (NM_001406696.1); c.649-13G>A (NM_001406671.1, NM_001406673.1); and 5 more.
Identifiers: ClinVar variation 547825 (VCV000547825.13), dbSNP rs794727906, ClinGen allele CA394312281.

ClinVar aggregate classification (germline): Pathogenic/Likely pathogenic. Review status: criteria provided, multiple submitters, no conflicts (2 of 4 stars). 4 submissions from 4 submitters: Pathogenic (1); Likely pathogenic (3). Last evaluated 2025-07-03.

Conditions:
Tuberous sclerosis syndrome (TSC). Also called: Tuberous sclerosis; Tuberous Sclerosis Complex. Identifiers: Orphanet 805, MedGen C0041341, MONDO:0001734.
Tuberous sclerosis 2 (TSC2). Identifiers: Orphanet 805, MedGen C1860707, MONDO:0013199, OMIM 613254.

Submissions (4):

GeneDx
Classification: Pathogenic. Last evaluated: 2025-07-03. Review status: criteria provided, single submitter. Criteria: GeneDx Variant Classification Process June 2021. Collection method: clinical testing. Allele origin: germline.
Comment: Canonical splice site variant predicted to result in an in-frame loss of the adjacent exon in a gene for which loss of function is a known mechanism of disease; Not observed at significant frequency in large population cohorts (gnomAD); Has not been previously published as pathogenic or benign to our knowledge; This variant is associated with the following publications: (PMID: 18466115)

Women's Health and Genetics/Laboratory Corporation of America, LabCorp
Classification: Likely pathogenic for Tuberous sclerosis syndrome. Last evaluated: 2025-04-15. Review status: criteria provided, single submitter. Criteria: LabCorp Variant Classification Summary - May 2015. Collection method: clinical testing. Allele origin: germline.
Comment: Variant summary: TSC2 c.649-1G>A is located in a canonical splice-site and is predicted to affect mRNA splicing resulting in a significantly altered protein due to either exon skipping, shortening, or inclusion of intronic material. Variants that disrupt the consensus splice site are a relatively common cause of aberrant splicing and loss of TSC2 function. Several computational tools predict a significant impact on normal splicing: Four predict the variant abolishes a 3' acceptor site. Two predict the variant creates a cryptic 3' acceptor site. Two predict the variant weakens a cryptic 3' acceptor site. However, these predictions have yet to be confirmed by functional studies. The variant was absent in 248394 control chromosomes. To our knowledge, no occurrence of c.649-1G>A in individuals affected with Tuberous Sclerosis Complex and no experimental evidence demonstrating its impact on protein function have been reported. ClinVar contains an entry for this variant (Variation ID: 547825). Based on the evidence outlined above, the variant was classified as likely pathogenic.

Labcorp Genetics (formerly Invitae), Labcorp
Classification: Likely pathogenic for Tuberous sclerosis 2. Last evaluated: 2020-01-27. Review status: criteria provided, single submitter. Criteria: Invitae Variant Classification Sherloc (09022015). Collection method: clinical testing. Allele origin: germline.
Comment: Algorithms developed to predict the effect of sequence changes on RNA splicing suggest that this variant may disrupt the consensus splice site, but this prediction has not been confirmed by published transcriptional studies. This variant has not been reported in the literature in individuals with TSC2-related conditions. ClinVar contains an entry for this variant (Variation ID: 547825). This variant is not present in population databases (ExAC no frequency). This sequence change affects an acceptor splice site in intron 7 of the TSC2 gene. It is expected to disrupt RNA splicing and likely results in an absent or disrupted protein product. In summary, the currently available evidence indicates that the variant is pathogenic, but additional data are needed to prove that conclusively. Therefore, this variant has been classified as Likely Pathogenic. Donor and acceptor splice site variants typically lead to a loss of protein function (PMID: 16199547), and loss-of-function variants in TSC2 are known to be pathogenic (PMID: 10205261, 17304050).

Center for Human Genetics, Inc
Classification: Likely pathogenic for Tuberous sclerosis 2. Last evaluated: 2016-11-01. Review status: criteria provided, single submitter. Criteria: ACMG Guidelines, 2015. Collection method: clinical testing. Allele origin: germline. Affected: yes.

Literature cited by the submitters: PubMed 16199547 (cited by Labcorp Genetics (formerly Invitae), Labcorp); PubMed 10205261 (cited by Labcorp Genetics (formerly Invitae), Labcorp); PubMed 17304050 (cited by Labcorp Genetics (formerly Invitae), Labcorp).